The following is an entry in ClinVar:

ClinVar aggregate classification (germline): Uncertain significance. Review status: criteria provided, multiple submitters, no conflicts (2 of 4 stars). 2 submissions from 2 submitters: Uncertain significance (2). Last evaluated 2024-08-12.

Conditions:
Very long chain acyl-CoA dehydrogenase deficiency (ACADVLD). Also called: Very Long-Chain Acyl-Coenzyme A Dehydrogenase Deficiency; VLCAD Deficiency. Identifiers: Orphanet 26793, MedGen C3887523, MONDO:0008723, OMIM 201475.

Allele frequency attached by ClinVar (database versions not stated): ExAC 0.00002; gnomAD exomes 0.00002 and 0.00004; TOPMed 0.00002.
gnomAD v4.1: 13 of 1,614,100 alleles (0.00081%); highest among the groups gnomAD compares: Admixed American, 0.022%; no homozygotes.

Submissions (2):

Labcorp Genetics (formerly Invitae), Labcorp
Classification: Uncertain significance for Very long chain acyl-CoA dehydrogenase deficiency. Last evaluated: 2024-08-12. Review status: criteria provided, single submitter. Criteria: Invitae Variant Classification Sherloc (09022015). Collection method: clinical testing. Allele origin: germline.
Comment: This sequence change replaces glycine, which is neutral and non-polar, with serine, which is neutral and polar, at codon 617 of the ACADVL protein (p.Gly617Ser). This variant is present in population databases (rs752227163, gnomAD 0.03%). This variant has not been reported in the literature in individuals affected with ACADVL-related conditions. ClinVar contains an entry for this variant (Variation ID: 932780). Advanced modeling of protein sequence and biophysical properties (such as structural, functional, and spatial information, amino acid conservation, physicochemical variation, residue mobility, and thermodynamic stability) performed at Invitae indicates that this missense variant is not expected to disrupt ACADVL protein function with a negative predictive value of 80%. In summary, the available evidence is currently insufficient to determine the role of this variant in disease. Therefore, it has been classified as a Variant of Uncertain Significance.

Wong Mito Lab, Molecular and Human Genetics, Baylor College of Medicine
Classification: Uncertain significance for Very long chain acyl-CoA dehydrogenase deficiency. Last evaluated: 2019-11-01. Review status: criteria provided, single submitter. Criteria: ACMG Guidelines, 2015. Collection method: clinical testing. Allele origin: germline.
Comment: The NM_000018.3:c.1849G>A (NP_000009.1:p.Gly617Ser) [GRCH38: NC_000017.11:g.7224978G>A] variant in ACADVL gene is interpretated to be Uncertain Significance based on ACMG guidelines (PMID: 25741868). This variant has been reported. This variant meets the following evidence codes reported in the ACMG guidelines: BP4

NM_000018.4(ACADVL):c.1849G>A (p.Gly617Ser)

Gene: ACADVL (acyl-CoA dehydrogenase very long chain; plus strand). Cytogenetic location: 17p13.1.
Variant type: single nucleotide variant.
Coding change: c.1849G>A on transcript NM_000018.4 (MANE Select); coding-DNA position 1849, G replaced by A.
Protein change: p.Gly617Ser; replaces glycine 617 with serine.
Molecular consequence: missense variant.
Genome position (GRCh38, 1-based): chr17:7,224,978, G>A. VCF-style: chr17-7224978-G-A. GRCh37 (hg19) VCF-style: chr17-7128297-G-A.
Other names: c.1783G>A, p.Gly595Ser (NM_001033859.3); c.1918G>A, p.Gly640Ser (NM_001270447.2); c.1621G>A, p.Gly541Ser (NM_001270448.2); short protein forms G617S, G640S, G541S, G595S.
Identifiers: ClinVar variation 932780 (VCV000932780.7), dbSNP rs752227163, ClinGen allele CA8338299.